The following is an entry in ClinVar:

NM_006904.7(PRKDC):c.11414G>C (p.Trp3805Ser)

Gene: PRKDC (protein kinase, DNA-activated, catalytic subunit; minus strand). Cytogenetic location: 8q11.21.
Variant type: single nucleotide variant.
Coding change: c.11414G>C on transcript NM_006904.7 (MANE Select); coding-DNA position 11414, G replaced by C.
Protein change: p.Trp3805Ser; replaces tryptophan 3805 with serine.
Molecular consequence: missense variant. On other transcripts: intron variant (1).
Genome position (GRCh38, 1-based): chr8:47,782,237, C>G on the plus strand (G>C on the coding strand, the complement: PRKDC is on the minus strand). VCF-style: chr8-47782237-C-G. GRCh37 (hg19) VCF-style: chr8-48694798-C-G.
Other names: c.11396+141G>C (NM_001081640.2); short protein forms W3805S.
Identifiers: ClinVar variation 1731342 (VCV001731342.2), dbSNP rs2551860346, ClinGen allele CA371129641.
Genomic context (GRCh38, chr8:47,782,237, plus strand): 5'-TTCTCCTCTTGGGACATGGTGTTCAAAAGAAGGTCCTTCAAGGTAACAGTATTTTCAAGC[C>G]ACTCAATTAATCCTAACCTGAAAGGGAGAATAAAAGGTTAACGAGTAAACCCAAACTGCT-3'
Protein context (NP_008835.5, residues 3795-3815): PMTSRLGLIE[Trp3805Ser]LENTVTLKDL

ClinVar aggregate classification (germline): Uncertain significance (1 of 4 stars; one submission).

Submission:

Ambry Genetics
Classification: Uncertain significance. Last evaluated: 2022-08-09. Review status: criteria provided, single submitter. Criteria: Ambry Variant Classification Scheme 2023. Collection method: clinical testing. Allele origin: germline.
Comment: The p.W3805S variant (also known as c.11414G>C), located in coding exon 80 of the PRKDC gene, results from a G to C substitution at nucleotide position 11414. The tryptophan at codon 3805 is replaced by serine, an amino acid with highly dissimilar properties. This amino acid position is conserved. In addition, this alteration is predicted to be deleterious by in silico analysis. Since supporting evidence is limited at this time, the clinical significance of this alteration remains unclear.